The following is an entry in ClinVar:

ClinVar aggregate classification (germline): Uncertain significance. Review status: criteria provided, multiple submitters, no conflicts (2 of 4 stars). 2 submissions from 2 submitters: Uncertain significance (2). Last evaluated 2025-09-25.

Conditions:
Inborn genetic diseases. Identifiers: MedGen C0950123, MeSH D030342.
Cortical dysplasia-focal epilepsy syndrome (PTHSL1). Also called: Pitt-Hopkins-like syndrome 1. Identifiers: Orphanet 163681, Orphanet 221150, MedGen C2750246, MONDO:0012400, OMIM 610042.

Allele frequency attached by ClinVar (database versions not stated): gnomAD exomes below 0.00001.
gnomAD v4.1: 1 of 1,612,566 alleles (0.000062%); highest among the groups gnomAD compares: Non-Finnish European, 0.000085%; no homozygotes.

Submissions (2):

Ambry Genetics
Classification: Uncertain significance for Inborn genetic diseases. Last evaluated: 2025-09-25. Review status: criteria provided, single submitter. Criteria: Ambry Variant Classification Scheme 2023. Collection method: clinical testing. Allele origin: germline.

Labcorp Genetics (formerly Invitae), Labcorp
Classification: Uncertain significance for Cortical dysplasia-focal epilepsy syndrome. Last evaluated: 2024-10-22. Review status: criteria provided, single submitter. Criteria: Invitae Variant Classification Sherloc (09022015). Collection method: clinical testing. Allele origin: germline.
Comment: This sequence change replaces valine, which is neutral and non-polar, with methionine, which is neutral and non-polar, at codon 536 of the CNTNAP2 protein (p.Val536Met). This variant is not present in population databases (gnomAD no frequency). This variant has not been reported in the literature in individuals affected with CNTNAP2-related conditions. ClinVar contains an entry for this variant (Variation ID: 1373352). An algorithm developed to predict the effect of missense changes on protein structure and function (PolyPhen-2) suggests that this variant is likely to be disruptive. In summary, the available evidence is currently insufficient to determine the role of this variant in disease. Therefore, it has been classified as a Variant of Uncertain Significance.

NM_014141.6(CNTNAP2):c.1606G>A (p.Val536Met)

Gene: CNTNAP2 (contactin associated protein 2; plus strand). Cytogenetic location: 7q35.
Variant type: single nucleotide variant.
Coding change: c.1606G>A on transcript NM_014141.6 (MANE Select); coding-DNA position 1606, G replaced by A.
Protein change: p.Val536Met; replaces valine 536 with methionine.
Molecular consequence: missense variant.
Genome position (GRCh38, 1-based): chr7:147,395,716, G>A. VCF-style: chr7-147395716-G-A. GRCh37 (hg19) VCF-style: chr7-147092808-G-A.
Other names: c.1606G>A (NM_014141.5); short protein forms V536M.
Identifiers: ClinVar variation 1373352 (VCV001373352.8), dbSNP rs2116454090, ClinGen allele CA369925620.
Genomic context (GRCh38, chr7:147,395,716, plus strand): 5'-TCATTCCAAGGATGCATGCAGCTCATTCAAGTGGACGATCAACTTGTAAATTTATACGAA[G>A]TGGCACAAAGGAAGCCGGGAAGTTTCGCGAATGTCAGCATTGACATGTGTGCGATCATAG-3'
Protein context (NP_054860.1, residues 526-546): VDDQLVNLYE[Val536Met]AQRKPGSFAN